The following is an entry in ClinVar:

NM_003803.4(MYOM1):c.3830A>G (p.Tyr1277Cys)

Gene: MYOM1 (myomesin 1; minus strand). Cytogenetic location: 18p11.31.
Variant type: single nucleotide variant.
Coding change: c.3830A>G on transcript NM_003803.4 (MANE Select); coding-DNA position 3830, A replaced by G.
Protein change: p.Tyr1277Cys; replaces tyrosine 1277 with cysteine.
Molecular consequence: missense variant.
Genome position (GRCh38, 1-based): chr18:3,094,204, T>C on the plus strand (A>G on the coding strand, the complement: MYOM1 is on the minus strand). VCF-style: chr18-3094204-T-C. GRCh37 (hg19) VCF-style: chr18-3094202-T-C.
Other names: c.3542A>G, p.Tyr1181Cys (NM_019856.2); short protein forms Y1181C, Y1277C.
Identifiers: ClinVar variation 1911922 (VCV001911922.5), dbSNP rs1480876841, ClinGen allele CA401713339.
Genomic context (GRCh38, chr18:3,094,204, plus strand): 5'-AAAAGTCTAAACAGTGTAAAACCTACCGGGCCTTCAAAAATTTCCTTCTCGTTAAATATG[T>C]AGTTGACTTTGGCATTGCCAGACAGTTTCTCAGCCTGCATCCAAAACCGGACCTGGCCTT-3'
Protein context (NP_003794.3, residues 1267-1287): EKLSGNAKVN[Tyr1277Cys]IFNEKEIFEG

ClinVar aggregate classification (germline): Uncertain significance (1 of 4 stars; one submission).

Conditions:
Hypertrophic cardiomyopathy. Also called: HYPERTROPHIC MYOCARDIOPATHY. Identifiers: Orphanet 217569, MedGen C0007194, MeSH D002312, MONDO:0005045, HP:0001639.

Allele frequency attached by ClinVar (database versions not stated): gnomAD exomes below 0.00001.

Submission:

Labcorp Genetics (formerly Invitae), Labcorp
Classification: Uncertain significance for Hypertrophic cardiomyopathy. Last evaluated: 2022-12-14. Review status: criteria provided, single submitter. Criteria: Invitae Variant Classification Sherloc (09022015). Collection method: clinical testing. Allele origin: germline.
Comment: Advanced modeling of protein sequence and biophysical properties (such as structural, functional, and spatial information, amino acid conservation, physicochemical variation, residue mobility, and thermodynamic stability) performed at Invitae indicates that this missense variant is not expected to disrupt MYOM1 protein function. In summary, the available evidence is currently insufficient to determine the role of this variant in disease. Therefore, it has been classified as a Variant of Uncertain Significance. This variant has not been reported in the literature in individuals affected with MYOM1-related conditions. This variant is present in population databases (no rsID available, gnomAD 0.003%). This sequence change replaces tyrosine, which is neutral and polar, with cysteine, which is neutral and slightly polar, at codon 1277 of the MYOM1 protein (p.Tyr1277Cys).